The following is an entry in ClinVar:

ClinVar aggregate classification (germline): Uncertain significance (1 of 4 stars; one submission).

Submission:

GeneDx
Classification: Uncertain significance. Last evaluated: 2023-02-02. Review status: criteria provided, single submitter. Criteria: GeneDx Variant Classification Process June 2021. Collection method: clinical testing. Allele origin: germline. Affected: yes.
Comment: Not observed at significant frequency in large population cohorts (gnomAD); In silico analysis supports that this missense variant does not alter protein structure/function; Has not been previously published as pathogenic or benign to our knowledge

NM_003482.4(KMT2D):c.13373C>T (p.Ala4458Val)

Gene: KMT2D (lysine methyltransferase 2D; minus strand). Cytogenetic location: 12q13.12.
Variant type: single nucleotide variant.
Coding change: c.13373C>T on transcript NM_003482.4 (MANE Select); coding-DNA position 13373, C replaced by T.
Protein change: p.Ala4458Val; replaces alanine 4458 with valine.
Molecular consequence: missense variant.
Genome position (GRCh38, 1-based): chr12:49,031,332, G>A on the plus strand (C>T on the coding strand, the complement: KMT2D is on the minus strand). VCF-style: chr12-49031332-G-A. GRCh37 (hg19) VCF-style: chr12-49425115-G-A.
Other names: short protein forms A4458V.
Identifiers: ClinVar variation 2574837 (VCV002574837.1), dbSNP rs2498350489, ClinGen allele CA384704788.